The following is an entry in ClinVar:

ClinVar aggregate classification (germline): Uncertain significance (1 of 4 stars; one submission).

Conditions:
Oligodontia-cancer predisposition syndrome. Also called: TOOTH AGENESIS-COLORECTAL CANCER SYNDROME. Identifiers: Orphanet 300576, MedGen C1837750, MONDO:0012075, OMIM 608615. Disease mechanism: loss of function.

Allele frequency attached by ClinVar (database versions not stated): gnomAD exomes below 0.00001.
gnomAD v4.1: 1 of 1,601,476 alleles (0.000062%); no homozygotes.

Submission:

Labcorp Genetics (formerly Invitae), Labcorp
Classification: Uncertain significance for Oligodontia-cancer predisposition syndrome. Last evaluated: 2024-05-22. Review status: criteria provided, single submitter. Criteria: Invitae Variant Classification Sherloc (09022015). Collection method: clinical testing. Allele origin: germline.
Comment: This sequence change replaces threonine, which is neutral and polar, with isoleucine, which is neutral and non-polar, at codon 672 of the AXIN2 protein (p.Thr672Ile). This variant is present in population databases (no rsID available, gnomAD 0.004%). This variant has not been reported in the literature in individuals affected with AXIN2-related conditions. ClinVar contains an entry for this variant (Variation ID: 408805). Advanced modeling of protein sequence and biophysical properties (such as structural, functional, and spatial information, amino acid conservation, physicochemical variation, residue mobility, and thermodynamic stability) performed at Invitae indicates that this missense variant is not expected to disrupt AXIN2 protein function with a negative predictive value of 80%. In summary, the available evidence is currently insufficient to determine the role of this variant in disease. Therefore, it has been classified as a Variant of Uncertain Significance.

NM_004655.4(AXIN2):c.2015C>T (p.Thr672Ile)

Gene: AXIN2 (axin 2; minus strand). Cytogenetic location: 17q24.1.
Variant type: single nucleotide variant.
Coding change: c.2015C>T on transcript NM_004655.4 (MANE Select); coding-DNA position 2015, C replaced by T.
Protein change: p.Thr672Ile; replaces threonine 672 with isoleucine.
Molecular consequence: missense variant.
Genome position (GRCh38, 1-based): chr17:65,536,446, G>A on the plus strand (C>T on the coding strand, the complement: AXIN2 is on the minus strand). VCF-style: chr17-65536446-G-A. GRCh37 (hg19) VCF-style: chr17-63532564-G-A.
Other names: c.2015C>T (LRG_296t1); c.1820C>T, p.Thr607Ile (NM_001363813.1); short protein forms T672I, T607I.
Identifiers: ClinVar variation 408805 (VCV000408805.8), dbSNP rs1060502141, ClinGen allele CA16615553.